The following is an entry in ClinVar:

ClinVar aggregate classification (germline): Uncertain significance (1 of 4 stars; one submission).

Conditions:
Progressive sclerosing poliodystrophy (MTDPS4A). Also called: Mitochondrial DNA depletion syndrome 4A (Alpers type); Alpers Syndrome; ALPERS DIFFUSE DEGENERATION OF CEREBRAL GRAY MATTER WITH HEPATIC CIRRHOSIS; Alpers-Huttenlocher Syndrome; ALPERS PROGRESSIVE INFANTILE POLIODYSTROPHY; NEURONAL DEGENERATION OF CHILDHOOD WITH LIVER DISEASE, PROGRESSIVE. Identifiers: Orphanet 726, MedGen C0205710, MONDO:0008758, OMIM 203700.

Allele frequency attached by ClinVar (database versions not stated): gnomAD exomes below 0.00001; TOPMed below 0.00001; ExAC 0.00001; gnomAD 0.00002.
gnomAD v4.1: 6 of 1,603,716 alleles (0.00037%); highest among the groups gnomAD compares: Non-Finnish European, 0.00051%; no homozygotes.

Submission:

Labcorp Genetics (formerly Invitae), Labcorp
Classification: Uncertain significance for Progressive sclerosing poliodystrophy. Last evaluated: 2025-09-13. Review status: criteria provided, single submitter. Criteria: Invitae Variant Classification Sherloc (09022015). Collection method: clinical testing. Allele origin: germline.
Comment: This sequence change replaces valine, which is neutral and non-polar, with leucine, which is neutral and non-polar, at codon 645 of the POLG protein (p.Val645Leu). This variant is present in population databases (rs781130302, gnomAD 0.0009%). This variant has not been reported in the literature in individuals affected with POLG-related conditions. ClinVar contains an entry for this variant (Variation ID: 2146533). Invitae Evidence Modeling of protein sequence and biophysical properties (such as structural, functional, and spatial information, amino acid conservation, physicochemical variation, residue mobility, and thermodynamic stability) indicates that this missense variant is not expected to disrupt POLG protein function with a negative predictive value of 95%. In summary, the available evidence is currently insufficient to determine the role of this variant in disease. Therefore, it has been classified as a Variant of Uncertain Significance.

NM_002693.3(POLG):c.1933G>T (p.Val645Leu)

Gene: POLG (DNA polymerase gamma, catalytic subunit; minus strand). Cytogenetic location: 15q26.1.
Variant type: single nucleotide variant.
Coding change: c.1933G>T on transcript NM_002693.3 (MANE Select); coding-DNA position 1933, G replaced by T.
Protein change: p.Val645Leu; replaces valine 645 with leucine.
Molecular consequence: missense variant.
Genome position (GRCh38, 1-based): chr15:89,325,466, C>A on the plus strand (G>T on the coding strand, the complement: POLG is on the minus strand). VCF-style: chr15-89325466-C-A. GRCh37 (hg19) VCF-style: chr15-89868697-C-A.
Other names: c.1933G>T, p.Val645Leu (NM_001126131.2); short protein forms V645L.
Identifiers: ClinVar variation 2146533 (VCV002146533.2), dbSNP rs781130302, ClinGen allele CA7724660.